The following is an entry in ClinVar:

ClinVar aggregate classification (germline): Uncertain significance. Review status: criteria provided, multiple submitters, no conflicts (2 of 4 stars). 2 submissions from 2 submitters: Uncertain significance (2). Last evaluated 2025-02-18.

Conditions:
Hereditary cancer-predisposing syndrome. Also called: Tumor predisposition; Hereditary neoplastic syndrome; Neoplastic Syndromes, Hereditary; Hereditary Cancer Syndrome. Identifiers: Orphanet 140162, MedGen C0027672, MeSH D009386, MONDO:0015356.
Cardiovascular phenotype. Identifiers: MedGen CN230736.
Neurofibromatosis, type 1 (NF1). Also called: Peripheral type neurofibromatosis; VON RECKLINGHAUSEN DISEASE; Neurofibromatosis, type I; NEUROFIBROMATOSIS, TYPE I, SOMATIC. Identifiers: Orphanet 636, MedGen C0027831, MONDO:0018975, OMIM 162200. Disease mechanism: loss of function.

Submissions (2):

Ambry Genetics
Classification: Uncertain significance for Cardiovascular phenotype; Hereditary cancer-predisposing syndrome. Last evaluated: 2025-02-18. Review status: criteria provided, single submitter. Criteria: Ambry Variant Classification Scheme 2023. Collection method: clinical testing. Allele origin: germline.
Comment: The p.V2299A variant (also known as c.6896T>C), located in coding exon 46 of the NF1 gene, results from a T to C substitution at nucleotide position 6896. The valine at codon 2299 is replaced by alanine, an amino acid with similar properties. This amino acid position is not well conserved in available vertebrate species. In addition, this alteration is predicted to be tolerated by in silico analysis. Based on the available evidence, the clinical significance of this variant remains unclear.

Labcorp Genetics (formerly Invitae), Labcorp
Classification: Uncertain significance for Neurofibromatosis, type 1. Last evaluated: 2022-11-08. Review status: criteria provided, single submitter. Criteria: Invitae Variant Classification Sherloc (09022015). Collection method: clinical testing. Allele origin: germline.
Comment: Algorithms developed to predict the effect of missense changes on protein structure and function (SIFT, PolyPhen-2, Align-GVGD) all suggest that this variant is likely to be tolerated. This variant has not been reported in the literature in individuals affected with NF1-related conditions. ClinVar contains an entry for this variant (Variation ID: 940274). In summary, the available evidence is currently insufficient to determine the role of this variant in disease. Therefore, it has been classified as a Variant of Uncertain Significance. This variant is not present in population databases (gnomAD no frequency). This sequence change replaces valine, which is neutral and non-polar, with alanine, which is neutral and non-polar, at codon 2299 of the NF1 protein (p.Val2299Ala).

NM_001042492.3(NF1):c.6959T>C (p.Val2320Ala)

Gene: NF1 (neurofibromin 1; plus strand). Cytogenetic location: 17q11.2.
Variant type: single nucleotide variant.
Coding change: c.6959T>C on transcript NM_001042492.3 (MANE Select); coding-DNA position 6959, T replaced by C.
Protein change: p.Val2320Ala; replaces valine 2320 with alanine.
Molecular consequence: missense variant.
Genome position (GRCh38, 1-based): chr17:31,340,542, T>C. VCF-style: chr17-31340542-T-C. GRCh37 (hg19) VCF-style: chr17-29667560-T-C.
Other names: c.6896T>C, p.Val2299Ala (NM_000267.4); short protein forms V2299A, V2320A.
Identifiers: ClinVar variation 940274 (VCV000940274.7), dbSNP rs2069791087, ClinGen allele CA399014920.